The following is an entry in ClinVar:

NM_014043.4(CHMP2B):c.90A>C (p.Arg30Ser)

Gene: CHMP2B (charged multivesicular body protein 2B; plus strand). Cytogenetic location: 3p11.2.
Variant type: single nucleotide variant.
Coding change: c.90A>C on transcript NM_014043.4 (MANE Select); coding-DNA position 90, A replaced by C.
Protein change: p.Arg30Ser; replaces arginine 30 with serine.
Molecular consequence: missense variant. On other transcripts: intron variant (1).
Genome position (GRCh38, 1-based): chr3:87,240,754, A>C. VCF-style: chr3-87240754-A-C. GRCh37 (hg19) VCF-style: chr3-87289904-A-C.
Other names: c.4-4960A>C (NM_001244644.2); short protein forms R30S.
Identifiers: ClinVar variation 1434414 (VCV001434414.6), dbSNP rs775142652, ClinGen allele CA2500888.
Genomic context (GRCh38, chr3:87,240,754, plus strand): 5'-CCTAGATGTAATAAAGGAACAGAATCGAGAGTTACGAGGTACACAGAGGGCTATAATCAG[A>C]GATCGAGCAGCTTTAGAGAAACAAGAAAAACAGCTGGTAAGTAGAACGTTAAATTTCAGT-3'
Protein context (NP_054762.2, residues 20-40): ELRGTQRAII[Arg30Ser]DRAALEKQEK

ClinVar aggregate classification (germline): Uncertain significance (1 of 4 stars; one submission).

Conditions:
Frontotemporal dementia and/or amyotrophic lateral sclerosis 7 (FTDALS7). Also called: Amyotrophic lateral sclerosis 17; CHMP2B-related frontotemporal dementia; CHMP2B-Related Frontotemporal Dementia-Amyotrophic Lateral Sclerosis; AMYOTROPHIC LATERAL SCLEROSIS, CHMP2B-RELATED. Identifiers: Orphanet 275864, Orphanet 282, Orphanet 803, MedGen C1833296, MONDO:0010936, OMIM 600795.

Allele frequency attached by ClinVar (database versions not stated): ExAC 0.00001.
gnomAD v4.1: 4 of 1,613,706 alleles (0.00025%); highest among the groups gnomAD compares: African/African-American, 0.0013%; no homozygotes.

Submission:

Labcorp Genetics (formerly Invitae), Labcorp
Classification: Uncertain significance for Frontotemporal dementia and/or amyotrophic lateral sclerosis 7. Last evaluated: 2025-08-03. Review status: criteria provided, single submitter. Criteria: Invitae Variant Classification Sherloc (09022015). Collection method: clinical testing. Allele origin: germline.
Comment: This sequence change replaces arginine, which is basic and polar, with serine, which is neutral and polar, at codon 30 of the CHMP2B protein (p.Arg30Ser). This variant is present in population databases (rs775142652, gnomAD 0.0009%). This variant has not been reported in the literature in individuals affected with CHMP2B-related conditions. ClinVar contains an entry for this variant (Variation ID: 1434414). An algorithm developed to predict the effect of missense changes on protein structure and function (PolyPhen-2) suggests that this variant is likely to be tolerated. In summary, the available evidence is currently insufficient to determine the role of this variant in disease. Therefore, it has been classified as a Variant of Uncertain Significance.